The following is an entry in ClinVar:

NM_007198.4(PLPBP):c.508G>A (p.Ala170Thr)

Gene: PLPBP (pyridoxal phosphate binding protein; plus strand). Cytogenetic location: 8p11.23.
Variant type: single nucleotide variant.
Coding change: c.508G>A on transcript NM_007198.4 (MANE Select); coding-DNA position 508, G replaced by A.
Protein change: p.Ala170Thr; replaces alanine 170 with threonine.
Molecular consequence: missense variant.
Genome position (GRCh38, 1-based): chr8:37,775,392, G>A. VCF-style: chr8-37775392-G-A. GRCh37 (hg19) VCF-style: chr8-37632910-G-A.
Other names: c.538G>A, p.Ala180Thr (NM_001349346.2); c.502G>A, p.Ala168Thr (NM_001349347.2); c.352G>A, p.Ala118Thr (NM_001349348.2); short protein forms A168T, A170T, A118T, A180T.
Identifiers: ClinVar variation 1966492 (VCV001966492.5), dbSNP rs2487391658, ClinGen allele CA370668404.
Genomic context (GRCh38, chr8:37,775,392, plus strand): 5'-CTTGAAGGTAAACATGGCCTTCCACCTTCAGAGACCATAGCCATCGTGGAGCACATAAAC[G>A]CCAAGTGTCCTAACCTGGAGTTTGTGGGGCTGATGACCATAGGAAGCTTTGGGCATGATC-3'
Protein context (NP_009129.1, residues 160-180): ETIAIVEHIN[Ala170Thr]KCPNLEFVGL

ClinVar aggregate classification (germline): Uncertain significance (1 of 4 stars; one submission).

Submission:

Labcorp Genetics (formerly Invitae), Labcorp
Classification: Uncertain significance. Last evaluated: 2022-07-27. Review status: criteria provided, single submitter. Criteria: Invitae Variant Classification Sherloc (09022015). Collection method: clinical testing. Allele origin: germline.
Comment: Algorithms developed to predict the effect of missense changes on protein structure and function output the following: SIFT: "Tolerated"; PolyPhen-2: "Benign"; Align-GVGD: "Class C0". The threonine amino acid residue is found in multiple mammalian species, which suggests that this missense change does not adversely affect protein function. This sequence change replaces alanine, which is neutral and non-polar, with threonine, which is neutral and polar, at codon 170 of the PROSC protein (p.Ala170Thr). This variant is not present in population databases (gnomAD no frequency). This variant has not been reported in the literature in individuals affected with PROSC-related conditions. In summary, the available evidence is currently insufficient to determine the role of this variant in disease. Therefore, it has been classified as a Variant of Uncertain Significance.